The following is an entry in ClinVar:

ClinVar aggregate classification (germline): Conflicting classifications of pathogenicity. Review status: criteria provided, conflicting classifications (1 of 4 stars). 3 submissions from 3 submitters: Uncertain significance (2); Likely benign (1). Last evaluated 2024-06-24.

Conditions:
Galloway-Mowat syndrome 1 (GAMOS1). Identifiers: Orphanet 2065, Orphanet 83472, MedGen C4551772, MONDO:0033005, OMIM 251300.
Inborn genetic diseases. Identifiers: MedGen C0950123, MeSH D030342.

Allele frequency attached by ClinVar (database versions not stated): gnomAD 0.00002; TOPMed 0.00003; ExAC 0.00013; 1000 Genomes Project 0.00020.

Submissions (3):

Ambry Genetics
Classification: Likely benign for Inborn genetic diseases. Last evaluated: 2024-06-24. Review status: criteria provided, single submitter. Criteria: Ambry Variant Classification Scheme 2023. Collection method: clinical testing. Allele origin: germline.

Fulgent Genetics
Classification: Uncertain significance for Galloway-Mowat syndrome 1. Last evaluated: 2024-03-06. Review status: criteria provided, single submitter. Criteria: ACMG Guidelines, 2015. Collection method: clinical testing. Allele origin: germline.

Labcorp Genetics (formerly Invitae), Labcorp
Classification: Uncertain significance. Last evaluated: 2023-12-18. Review status: criteria provided, single submitter. Criteria: Invitae Variant Classification Sherloc (09022015). Collection method: clinical testing. Allele origin: germline.
Comment: This sequence change replaces arginine, which is basic and polar, with histidine, which is basic and polar, at codon 378 of the WDR73 protein (p.Arg378His). This variant is present in population databases (rs375954913, gnomAD 0.1%). This variant has not been reported in the literature in individuals affected with WDR73-related conditions. ClinVar contains an entry for this variant (Variation ID: 1896197). Algorithms developed to predict the effect of missense changes on protein structure and function output the following: SIFT: "Not Available"; PolyPhen-2: "Probably Damaging"; Align-GVGD: "Not Available". The histidine amino acid residue is found in multiple mammalian species, which suggests that this missense change does not adversely affect protein function. In summary, the available evidence is currently insufficient to determine the role of this variant in disease. Therefore, it has been classified as a Variant of Uncertain Significance.

NM_032856.5(WDR73):c.1133G>A (p.Arg378His)

Gene: WDR73 (WD repeat domain 73; minus strand). Cytogenetic location: 15q25.2.
Variant type: single nucleotide variant.
Coding change: c.1133G>A on transcript NM_032856.5 (MANE Select); coding-DNA position 1133, G replaced by A.
Protein change: p.Arg378His; replaces arginine 378 with histidine.
Molecular consequence: missense variant. On other transcripts: non-coding transcript variant (4).
Genome position (GRCh38, 1-based): chr15:84,643,474, C>T on the plus strand (G>A on the coding strand, the complement: WDR73 is on the minus strand). VCF-style: chr15-84643474-C-T. GRCh37 (hg19) VCF-style: chr15-85186705-C-T.
Other names: c.1133G>A (NM_032856.2); short protein forms R378H.
Identifiers: ClinVar variation 1896197 (VCV001896197.5), dbSNP rs375954913, ClinGen allele CA7707132.